The following is an entry in ClinVar:

ClinVar aggregate classification (germline): Uncertain significance. Review status: criteria provided, single submitter (1 of 4 stars). 2 submissions from 2 submitters: Uncertain significance (1). 1 of the submissions does not count toward it. Last evaluated 2024-02-06.

Conditions:
SEMA3E-related disorder. Also called: SEMA3E-related condition.
CHARGE syndrome (CHARGE). Also called: Hittner Hirsch Kreh syndrome; CHARGE ASSOCIATION--COLOBOMA, HEART ANOMALY, CHOANAL ATRESIA, RETARDATION, GENITAL AND EAR ANOMALIES; Coloboma, heart anomaly, choanal atresia, retardation, genital and ear anomalies; CHARGE association; Hall-Hittner syndrome. Identifiers: Orphanet 138, MedGen C0265354, MONDO:0008965.

Submissions (2):

Labcorp Genetics (formerly Invitae), Labcorp
Classification: Uncertain significance for CHARGE syndrome. Last evaluated: 2024-02-06. Review status: criteria provided, single submitter. Criteria: Invitae Variant Classification Sherloc (09022015). Collection method: clinical testing. Allele origin: germline.
Comment: This sequence change falls in intron 11 of the SEMA3E gene. It does not directly change the encoded amino acid sequence of the SEMA3E protein. It affects a nucleotide within the consensus splice site. This variant is present in population databases (no rsID available, gnomAD 0.0009%). This variant has not been reported in the literature in individuals affected with SEMA3E-related conditions. Variants that disrupt the consensus splice site are a relatively common cause of aberrant splicing (PMID: 17576681, 9536098). Algorithms developed to predict the effect of sequence changes on RNA splicing suggest that this variant is not likely to affect RNA splicing. In summary, the available evidence is currently insufficient to determine the role of this variant in disease. Therefore, it has been classified as a Variant of Uncertain Significance.

PreventionGenetics, part of Exact Sciences
Classification: Likely benign for SEMA3E-related condition. Last evaluated: 2023-03-16. Review status: no assertion criteria provided. Collection method: clinical testing. Allele origin: germline. Not counted in ClinVar's aggregate classification.
Comment: This variant is classified as likely benign based on ACMG/AMP sequence variant interpretation guidelines (Richards et al. 2015 PMID: 25741868, with internal and published modifications).

Literature cited by the submitters: PubMed 17576681 (cited by Labcorp Genetics (formerly Invitae), Labcorp); PubMed 9536098 (cited by Labcorp Genetics (formerly Invitae), Labcorp).

NM_012431.3(SEMA3E):c.1366+5A>C

Gene: SEMA3E (semaphorin 3E; minus strand). Cytogenetic location: 7q21.11.
Variant type: single nucleotide variant.
Coding change: c.1366+5A>C on transcript NM_012431.3 (MANE Select); 5 bases into the intron after coding-DNA position 1366, A replaced by C.
Molecular consequence: intron variant.
Genome position (GRCh38, 1-based): chr7:83,400,023, T>G on the plus strand (A>C on the coding strand, the complement: SEMA3E is on the minus strand). VCF-style: chr7-83400023-T-G. GRCh37 (hg19) VCF-style: chr7-83029339-T-G.
Other names: c.1186+5A>C (NM_001178129.2).
Identifiers: ClinVar variation 3358407 (VCV003358407.3).
Genomic context (GRCh38, chr7:83,400,023, plus strand): 5'-ATTATTAAAATTATTGAATTTAAGGGTCAATTTAAATATCTCTGAGTACTTTCTCGTCTC[T>G]TTACCTGTCCCAATAAACAAGACGTCATATTGGCCATCCTCAGCTTCCACTCGATCTACT-3'